The following is an entry in ClinVar:

NM_001195263.2(PDZD7):c.440G>A (p.Gly147Asp)

Gene: PDZD7 (PDZ domain containing 7; minus strand). Cytogenetic location: 10q24.31.
Variant type: single nucleotide variant.
Coding change: c.440G>A on transcript NM_001195263.2 (MANE Select); coding-DNA position 440, G replaced by A.
Protein change: p.Gly147Asp; replaces glycine 147 with aspartic acid.
Molecular consequence: missense variant.
Genome position (GRCh38, 1-based): chr10:101,023,538, C>T on the plus strand (G>A on the coding strand, the complement: PDZD7 is on the minus strand). VCF-style: chr10-101023538-C-T. GRCh37 (hg19) VCF-style: chr10-102783295-C-T.
Other names: c.440G>A, p.Gly147Asp (NM_001351044.2, NM_024895.5); short protein forms G147D.
Identifiers: ClinVar variation 999993 (VCV000999993.8), dbSNP rs1853249107, ClinGen allele CA378230674.
Genomic context (GRCh38, chr10:101,023,538, plus strand): 5'-CCCATGCGCCGAACCATCATGTGCAGGCGGCTGCTGCTGGTCAGCACCTTTACGGCGCTA[C>T]CCATGGTGGTGCTCTCCAGGCTCAGCCCATTCACCTCCGTGATCTTGTCCCCCACGCACA-3'
Protein context (NP_001182192.1, residues 137-157): NGLSLESTTM[Gly147Asp]SAVKVLTSSS

ClinVar aggregate classification (germline): Uncertain significance (1 of 4 stars; one submission).

Submission:

Labcorp Genetics (formerly Invitae), Labcorp
Classification: Uncertain significance. Last evaluated: 2024-08-12. Review status: criteria provided, single submitter. Criteria: Invitae Variant Classification Sherloc (09022015). Collection method: clinical testing. Allele origin: germline.
Comment: This sequence change replaces glycine, which is neutral and non-polar, with aspartic acid, which is acidic and polar, at codon 147 of the PDZD7 protein (p.Gly147Asp). This variant is not present in population databases (gnomAD no frequency). This variant has not been reported in the literature in individuals affected with PDZD7-related conditions. ClinVar contains an entry for this variant (Variation ID: 999993). Advanced modeling of protein sequence and biophysical properties (such as structural, functional, and spatial information, amino acid conservation, physicochemical variation, residue mobility, and thermodynamic stability) performed at Invitae indicates that this missense variant is not expected to disrupt PDZD7 protein function with a negative predictive value of 80%. In summary, the available evidence is currently insufficient to determine the role of this variant in disease. Therefore, it has been classified as a Variant of Uncertain Significance.